The following is an entry in ClinVar:

ClinVar aggregate classification (germline): Benign/Likely benign. Review status: criteria provided, multiple submitters, no conflicts (2 of 4 stars). 2 submissions from 2 submitters: Benign (1); Likely benign (1). Last evaluated 2025-12-10.

Conditions:
Meier-Gorlin syndrome 1 (MGORS1). Also called: EAR, PATELLA, SHORT STATURE SYNDROME. Identifiers: Orphanet 2554, MedGen C4552001, MONDO:0009143, OMIM 224690.

Allele frequency attached by ClinVar (database versions not stated): gnomAD exomes 0.00016 and 0.00051; ExAC 0.00061; 1000 Genomes Project 0.00140; 1000 Genomes Project 30x 0.00172; gnomAD 0.00177 and 0.00193; TOPMed 0.00190; ESP Exome Variant Server 0.00277.
gnomAD v4.1: 509 of 1,613,410 alleles (0.032%); highest among the groups gnomAD compares: African/African-American, 0.63%; 2 homozygotes.

Submissions (2):

Labcorp Genetics (formerly Invitae), Labcorp
Classification: Benign. Last evaluated: 2025-12-10. Review status: criteria provided, single submitter. Criteria: Invitae Variant Classification Sherloc (09022015). Collection method: clinical testing. Allele origin: germline.

Illumina Laboratory Services, Illumina
Classification: Likely benign for Meier-Gorlin syndrome 1. Last evaluated: 2018-01-13. Review status: criteria provided, single submitter. Criteria: ICSL Variant Classification Criteria 13 December 2019. Collection method: clinical testing. Allele origin: germline.
Comment: This variant was observed in the ICSL laboratory as part of a predisposition screen in an ostensibly healthy population. It had not been previously curated by ICSL or reported in the Human Gene Mutation Database (HGMD: prior to June 1st, 2018), and was therefore a candidate for classification through an automated scoring system. Utilizing variant allele frequency, disease prevalence and penetrance estimates, and inheritance mode, an automated score was calculated to assess if this variant is too frequent to cause the disease. Based on the score and internal cut-off values, a variant classified as likely benign is not then subjected to further curation. The score for this variant resulted in a classification of likely benign for this disease.

NM_004153.4(ORC1):c.402+12C>T

Gene: ORC1 (origin recognition complex subunit 1; minus strand). Cytogenetic location: 1p32.3.
Variant type: single nucleotide variant.
Coding change: c.402+12C>T on transcript NM_004153.4 (MANE Select); 12 bases into the intron after coding-DNA position 402, C replaced by T.
Molecular consequence: intron variant.
Genome position (GRCh38, 1-based): chr1:52,397,673, G>A on the plus strand (C>T on the coding strand, the complement: ORC1 is on the minus strand). VCF-style: chr1-52397673-G-A. GRCh37 (hg19) VCF-style: chr1-52863345-G-A.
Other names: c.402+12C>T (NM_001190818.2, NM_001190819.2).
Identifiers: ClinVar variation 874947 (VCV000874947.11), dbSNP rs138085865, ClinGen allele CA853608.